The following is an entry in ClinVar:

NM_018419.3(SOX18):c.605C>T (p.Pro202Leu)

Gene: SOX18 (SRY-box transcription factor 18; minus strand). Cytogenetic location: 20q13.33.
Variant type: single nucleotide variant.
Coding change: c.605C>T on transcript NM_018419.3 (MANE Select); coding-DNA position 605, C replaced by T.
Protein change: p.Pro202Leu; replaces proline 202 with leucine.
Molecular consequence: missense variant.
Genome position (GRCh38, 1-based): chr20:64,048,716, G>A on the plus strand (C>T on the coding strand, the complement: SOX18 is on the minus strand). VCF-style: chr20-64048716-G-A. GRCh37 (hg19) VCF-style: chr20-62680069-G-A.
Other names: short protein forms P202L.
Identifiers: ClinVar variation 3901540 (VCV003901540.1).
Genomic context (GRCh38, chr20:64,048,716, plus strand): 5'-CCGTCCAGAGGCGAGCGCTCGGGCGTGGGCAGCCCCAGGCCGTCGAACTCGGCGCCCAGC[G>A]GGGGCAGCTCGCGGAAGGCGCGAGCCGAGCCAGACGCCGCGGGGAAAGGCTCGGGCGGTG-3'
Protein context (NP_060889.1, residues 192-212): GSARAFRELP[Pro202Leu]LGAEFDGLGL

ClinVar aggregate classification (germline): Uncertain significance (1 of 4 stars; one submission).

Submission:

GeneDx
Classification: Uncertain significance. Last evaluated: 2024-12-08. Review status: criteria provided, single submitter. Criteria: GeneDx Variant Classification Process June 2021. Collection method: clinical testing. Allele origin: germline. Affected: yes.
Comment: Not observed at significant frequency in large population cohorts (gnomAD); In silico analysis supports that this missense variant has a deleterious effect on protein structure/function; Has not been previously published as pathogenic or benign to our knowledge